The following is an entry in ClinVar:

NM_005732.4(RAD50):c.3070T>A (p.Leu1024Ile)

Gene: RAD50 (RAD50 double strand break repair protein; plus strand). Cytogenetic location: 5q31.1.
Variant type: single nucleotide variant.
Coding change: c.3070T>A on transcript NM_005732.4 (MANE Select); coding-DNA position 3070, T replaced by A.
Protein change: p.Leu1024Ile; replaces leucine 1024 with isoleucine.
Molecular consequence: missense variant.
Genome position (GRCh38, 1-based): chr5:132,616,036, T>A. VCF-style: chr5-132616036-T-A. GRCh37 (hg19) VCF-style: chr5-131951728-T-A.
Other names: short protein forms L1024I.
Identifiers: ClinVar variation 845212 (VCV000845212.11), dbSNP rs876659174, ClinGen allele CA360963503.
Genomic context (GRCh38, chr5:132,616,036, plus strand): 5'-GTTAACTAATTTAATGTTTACCTTTAGATACAAGAAAGGTGGCTACAAGATAACCTTACT[T>A]TAAGAAAAAGAAATGAGGAACTAAAAGAAGTTGAAGAAGAAAGAAAACAACATTTGAAGG-3'
Protein context (NP_005723.2, residues 1014-1034): QERWLQDNLT[Leu1024Ile]RKRNEELKEV

ClinVar aggregate classification (germline): Uncertain significance. Review status: criteria provided, multiple submitters, no conflicts (2 of 4 stars). 2 submissions from 2 submitters: Uncertain significance (2). Last evaluated 2022-12-10.

Conditions:
Hereditary cancer-predisposing syndrome. Also called: Tumor predisposition; Hereditary neoplastic syndrome; Neoplastic Syndromes, Hereditary; Hereditary Cancer Syndrome. Identifiers: Orphanet 140162, MedGen C0027672, MeSH D009386, MONDO:0015356.

Submissions (2):

Ambry Genetics
Classification: Uncertain significance for Hereditary cancer-predisposing syndrome. Last evaluated: 2022-12-10. Review status: criteria provided, single submitter. Criteria: Ambry Variant Classification Scheme 2023. Collection method: clinical testing. Allele origin: germline.
Comment: The p.L1024I variant (also known as c.3070T>A), located in coding exon 20 of the RAD50 gene, results from a T to A substitution at nucleotide position 3070. The leucine at codon 1024 is replaced by isoleucine, an amino acid with highly similar properties. This amino acid position is conserved. In addition, this alteration is predicted to be tolerated by in silico analysis. Since supporting evidence is limited at this time, the clinical significance of this alteration remains unclear.

Labcorp Genetics (formerly Invitae), Labcorp
Classification: Uncertain significance for Hereditary cancer-predisposing syndrome. Last evaluated: 2019-11-01. Review status: criteria provided, single submitter. Criteria: Invitae Variant Classification Sherloc (09022015). Collection method: clinical testing. Allele origin: germline.
Comment: This sequence change replaces leucine with isoleucine at codon 1024 of the RAD50 protein (p.Leu1024Ile). The leucine residue is highly conserved and there is a small physicochemical difference between leucine and isoleucine. This variant is not present in population databases (ExAC no frequency). This variant has not been reported in the literature in individuals with RAD50-related conditions. Algorithms developed to predict the effect of missense changes on protein structure and function are either unavailable or do not agree on the potential impact of this missense change (SIFT: "Tolerated"; PolyPhen-2: "Possibly Damaging"; Align-GVGD: "Class C0"). In summary, the available evidence is currently insufficient to determine the role of this variant in disease. Therefore, it has been classified as a Variant of Uncertain Significance.